The following is an entry in ClinVar:

ClinVar aggregate classification (germline): Likely benign. Review status: criteria provided, single submitter (1 of 4 stars). 2 submissions from 2 submitters: Likely benign (1). 1 of the submissions does not count toward it. Last evaluated 2024-05-22.

Conditions:
TBX3-related disorder. Also called: TBX3-related condition.
Ulnar-mammary syndrome (UMS). Also called: Ulnar-mammary syndrome of Pallister; SCHINZEL SYNDROME; PALLISTER ULNAR-MAMMARY SYNDROME. Identifiers: Orphanet 3138, MedGen C1866994, MONDO:0008411, OMIM 181450.

gnomAD v4.1: 5 of 1,561,250 alleles (0.00032%); highest among the groups gnomAD compares: Admixed American, 0.0037%; no homozygotes.

Submissions (2):

Labcorp Genetics (formerly Invitae), Labcorp
Classification: Likely benign for Ulnar-mammary syndrome. Last evaluated: 2024-05-22. Review status: criteria provided, single submitter. Criteria: Invitae Variant Classification Sherloc (09022015). Collection method: clinical testing. Allele origin: germline.

PreventionGenetics, part of Exact Sciences
Classification: Likely benign for TBX3-related condition. Last evaluated: 2024-08-18. Review status: no assertion criteria provided. Collection method: clinical testing. Allele origin: germline. Not counted in ClinVar's aggregate classification.
Comment: This variant is classified as likely benign based on ACMG/AMP sequence variant interpretation guidelines (Richards et al. 2015 PMID: 25741868, with internal and published modifications).

NM_005996.4(TBX3):c.1317C>T (p.Arg439=)

Gene: TBX3 (T-box transcription factor 3; minus strand). Cytogenetic location: 12q24.21.
Variant type: single nucleotide variant.
Coding change: c.1317C>T on transcript NM_005996.4 (MANE Select); coding-DNA position 1317, C replaced by T.
Protein change: p.Arg439=; no amino-acid change (arginine 439 retained).
Molecular consequence: synonymous variant.
Genome position (GRCh38, 1-based): chr12:114,674,558, G>A on the plus strand (C>T on the coding strand, the complement: TBX3 is on the minus strand). VCF-style: chr12-114674558-G-A. GRCh37 (hg19) VCF-style: chr12-115112363-G-A.
Other names: c.1377C>T, p.Arg459= (NM_016569.4); c.1377C>T (NM_016569.3).
Identifiers: ClinVar variation 1415664 (VCV001415664.7), dbSNP rs1162533759, ClinGen allele CA482136493.